The following is an entry in ClinVar:

ClinVar aggregate classification (germline): Conflicting classifications of pathogenicity. Review status: criteria provided, conflicting classifications (1 of 4 stars). 4 submissions from 4 submitters: Uncertain significance (1); Likely benign (3). Last evaluated 2024-11-27.

Conditions:
Familial thoracic aortic aneurysm and aortic dissection (TAAD). Also called: Thoracic aortic aneurysms and dissections. Identifiers: Orphanet 91387, MedGen C4707243, MONDO:0019625.
FG syndrome (FGS). Identifiers: MedGen C0220769, MONDO:0002010.

Submissions (4):

Labcorp Genetics (formerly Invitae), Labcorp
Classification: Likely benign for FG syndrome. Last evaluated: 2024-11-27. Review status: criteria provided, single submitter. Criteria: Invitae Variant Classification Sherloc (09022015). Collection method: clinical testing. Allele origin: germline.

GeneDx
Classification: Likely benign. Last evaluated: 2022-09-10. Review status: criteria provided, single submitter. Criteria: GeneDx Variant Classification Process June 2021. Collection method: clinical testing. Allele origin: germline. Affected: yes.
Comment: See Variant Classification Assertion Criteria.

Ambry Genetics
Classification: Likely benign for Familial thoracic aortic aneurysm and aortic dissection. Last evaluated: 2018-03-21. Review status: criteria provided, single submitter. Criteria: Ambry Variant Classification Scheme 2023. Collection method: clinical testing. Allele origin: germline.

Genetic Services Laboratory, University of Chicago
Classification: Uncertain significance. Last evaluated: 2014-05-05. Review status: criteria provided, single submitter. Criteria: ACMG Guidelines, 2015. Collection method: clinical testing. Allele origin: germline.

NM_005120.3(MED12):c.6288GCA[10] (p.Gln2113_Gln2115dup)

Gene: MED12 (mediator complex subunit 12; plus strand). Cytogenetic location: Xq13.1.
Variant type: Microsatellite.
Coding change: c.6288GCA[10] on transcript NM_005120.3 (MANE Select); ten copies in a row of the 3-base unit GCA starting at c.6288; the reference has seven copies in a row; three copies, 9 bases duplicated.
Protein change: p.Gln2113_Gln2115dup.
Molecular consequence: inframe insertion.
Genome position (GRCh38, 1-based): chrX:71,141,262-71,141,270, GCAGCAGCA duplicated; duplicating any 9 consecutive bases within chrX:71,141,248-71,141,270 gives the same sequence; the position shown is the placement nearest the transcript's 3' end. VCF-style (leftmost placement, unchanged base first): chrX-71141247-A-ACAGCAGCAG. GRCh37 (hg19) VCF-style: chrX-70361097-A-ACAGCAGCAG.
Other names: c.6300_6308dupGCAGCAGCA (NM_005120.2).
Identifiers: ClinVar variation 211478 (VCV000211478.19), dbSNP rs766775649, ClinGen allele CA206135.